The following is an entry in ClinVar:

ClinVar aggregate classification (germline): Uncertain significance (1 of 4 stars; one submission).

Conditions:
Inborn genetic diseases. Identifiers: MedGen C0950123, MeSH D030342.

Submission:

Ambry Genetics
Classification: Uncertain significance for Inborn genetic diseases. Last evaluated: 2025-01-24. Review status: criteria provided, single submitter. Criteria: Ambry Variant Classification Scheme 2023. Collection method: clinical testing. Allele origin: germline.
Comment: The p.M1144V variant (also known as c.3430A>G), located in coding exon 24 of the ANKRD26 gene, results from an A to G substitution at nucleotide position 3430. The methionine at codon 1144 is replaced by valine, an amino acid with highly similar properties. This amino acid position is conserved. In addition, this alteration is predicted to be tolerated by in silico analysis. Based on the available evidence, the clinical significance of this variant remains unclear.

NM_014915.3(ANKRD26):c.3430A>G (p.Met1144Val)

Gene: ANKRD26 (ankyrin repeat domain containing 26; minus strand). Cytogenetic location: 10p12.1.
Variant type: single nucleotide variant.
Coding change: c.3430A>G on transcript NM_014915.3 (MANE Select); coding-DNA position 3430, A replaced by G.
Protein change: p.Met1144Val; replaces methionine 1144 with valine.
Molecular consequence: missense variant.
Genome position (GRCh38, 1-based): chr10:27,035,020, T>C on the plus strand (A>G on the coding strand, the complement: ANKRD26 is on the minus strand). VCF-style: chr10-27035020-T-C. GRCh37 (hg19) VCF-style: chr10-27323949-T-C.
Other names: c.3427A>G, p.Met1143Val (NM_001256053.2); short protein forms M1144V, M1143V.
Identifiers: ClinVar variation 3868315 (VCV003868315.1).